The following is an entry in ClinVar:

NM_014375.3(FETUB):c.528G>A (p.Ala176=)

Genes: FETUB (fetuin B; plus strand), HRG-AS1 (HRG and FETUB antisense RNA 1; minus strand). Cytogenetic location: 3q27.3.
Variant type: single nucleotide variant.
Coding change: c.528G>A on transcript NM_014375.3 (MANE Select); coding-DNA position 528, G replaced by A.
Protein change: p.Ala176=; no amino-acid change (alanine 176 retained).
Molecular consequence: synonymous variant.
Genome position (GRCh38, 1-based): chr3:186,644,854, G>A. VCF-style: chr3-186644854-G-A. GRCh37 (hg19) VCF-style: chr3-186362643-G-A.
Other names: c.528G>A, p.Ala176= (NM_001375587.2); c.213G>A, p.Ala71= (NM_001375588.2); c.84G>A, p.Ala28= (NM_001375589.2, NM_001375590.2, NM_001375591.2 and 1 more transcripts); c.417G>A, p.Ala139= (NM_001308077.4); c.333G>A, p.Ala111= (NM_001308079.4).
Identifiers: ClinVar variation 2654335 (VCV002654335.24), dbSNP rs78581831, ClinGen allele CA2745329.

ClinVar aggregate classification (germline): Likely benign (1 of 4 stars; one submission).

Allele frequency attached by ClinVar (database versions not stated): 1000 Genomes Project 0.00280; 1000 Genomes Project 30x 0.00281; ESP Exome Variant Server 0.00331; TOPMed 0.00337; gnomAD 0.00348.
gnomAD v4.1: 8,095 of 1,613,762 alleles (0.5%); highest among the groups gnomAD compares: Non-Finnish European, 0.58%; 38 homozygotes.

Submission:

CeGaT Center for Human Genetics Tuebingen
Classification: Likely benign. Last evaluated: 2023-03-01. Review status: criteria provided, single submitter. Criteria: CeGaT Center For Human Genetics Tuebingen Variant Classification Criteria Version 2. Collection method: clinical testing. Allele origin: germline. Affected: yes. Observed: 1 variant allele.
Comment: FETUB: BP4, BP7, BS2